The following is an entry in ClinVar:

NM_003764.4(STX11):c.653A>G (p.Glu218Gly)

Gene: STX11 (syntaxin 11; plus strand). Cytogenetic location: 6q24.2.
Variant type: single nucleotide variant.
Coding change: c.653A>G on transcript NM_003764.4 (MANE Select); coding-DNA position 653, A replaced by G.
Protein change: p.Glu218Gly; replaces glutamic acid 218 with glycine.
Molecular consequence: missense variant.
Genome position (GRCh38, 1-based): chr6:144,187,280, A>G. VCF-style: chr6-144187280-A-G. GRCh37 (hg19) VCF-style: chr6-144508417-A-G.
Other names: short protein forms E218G.
Identifiers: ClinVar variation 1374968 (VCV001374968.3), dbSNP rs764809447, ClinGen allele CA4031756.
Genomic context (GRCh38, chr6:144,187,280, plus strand): 5'-AGGGCGCGCGGGCCGCCCTCAACGAGATCGAGAGCCGCCACCGCGAACTGCTGCGCCTGG[A>G]GAGCCGCATCCGCGACGTACACGAGCTCTTCTTGCAGATGGCGGTGCTGGTGGAGAAGCA-3'
Protein context (NP_003755.2, residues 208-228): ESRHRELLRL[Glu218Gly]SRIRDVHELF

ClinVar aggregate classification (germline): Uncertain significance (1 of 4 stars; one submission).

Conditions:
Familial hemophagocytic lymphohistiocytosis 4 (FHL4). Also called: STX11-Related Familial Hemophagocytic Lymphohistiocytosis (STX11-fHLH). Identifiers: Orphanet 540, MedGen C1863728, MONDO:0011336, OMIM 603552.

Allele frequency attached by ClinVar (database versions not stated): gnomAD exomes below 0.00001; ExAC 0.00001; gnomAD 0.00001.
gnomAD v4.1: 5 of 1,613,242 alleles (0.00031%); highest among the groups gnomAD compares: Admixed American, 0.0017%; no homozygotes.

Submission:

Labcorp Genetics (formerly Invitae), Labcorp
Classification: Uncertain significance for Familial hemophagocytic lymphohistiocytosis 4. Last evaluated: 2022-01-26. Review status: criteria provided, single submitter. Criteria: Invitae Variant Classification Sherloc (09022015). Collection method: clinical testing. Allele origin: germline.
Comment: This sequence change replaces glutamic acid, which is acidic and polar, with glycine, which is neutral and non-polar, at codon 218 of the STX11 protein (p.Glu218Gly). This variant is present in population databases (rs764809447, gnomAD 0.0009%). This variant has not been reported in the literature in individuals affected with STX11-related conditions. Algorithms developed to predict the effect of missense changes on protein structure and function (SIFT, PolyPhen-2, Align-GVGD) all suggest that this variant is likely to be disruptive. In summary, the available evidence is currently insufficient to determine the role of this variant in disease. Therefore, it has been classified as a Variant of Uncertain Significance.